The following is an entry in ClinVar:

NM_016103.4(SAR1B):c.11T>C (p.Ile4Thr)

Gene: SAR1B (secretion associated Ras related GTPase 1B; minus strand). Cytogenetic location: 5q31.1.
Variant type: single nucleotide variant.
Coding change: c.11T>C on transcript NM_016103.4 (MANE Select); coding-DNA position 11, T replaced by C.
Protein change: p.Ile4Thr; replaces isoleucine 4 with threonine.
Molecular consequence: missense variant.
Genome position (GRCh38, 1-based): chr5:134,624,009, A>G on the plus strand (T>C on the coding strand, the complement: SAR1B is on the minus strand). VCF-style: chr5-134624009-A-G. GRCh37 (hg19) VCF-style: chr5-133959699-A-G.
Other names: c.11T>C, p.Ile4Thr (NM_001033503.3); short protein forms I4T.
Identifiers: ClinVar variation 1353389 (VCV001353389.5), dbSNP rs2150055194, ClinGen allele CA361004535.
Genomic context (GRCh38, chr5:134,624,009, plus strand): 5'-GGACCAACATTACCTAAAAACTGTAGCACACTGCTGAAACCACTGTAAATCCAATCAAAT[A>G]TGAAGGACATATCCAAATCTGATAGGGTCTGAAAAAAAAGAGTTTGAATTTAGTAGTCAA-3'
Protein context (NP_057187.1, residues 1-14): MSF[Ile4Thr]FDWIYSGFSS

ClinVar aggregate classification (germline): Uncertain significance (1 of 4 stars; one submission).

Submission:

Labcorp Genetics (formerly Invitae), Labcorp
Classification: Uncertain significance. Last evaluated: 2021-11-24. Review status: criteria provided, single submitter. Criteria: Invitae Variant Classification Sherloc (09022015). Collection method: clinical testing. Allele origin: germline.
Comment: Algorithms developed to predict the effect of missense changes on protein structure and function are either unavailable or do not agree on the potential impact of this missense change (SIFT: "Deleterious"; PolyPhen-2: "Benign"; Align-GVGD: "Class C0"). This sequence change replaces isoleucine, which is neutral and non-polar, with threonine, which is neutral and polar, at codon 4 of the SAR1B protein (p.Ile4Thr). This variant is not present in population databases (gnomAD no frequency). This variant has not been reported in the literature in individuals affected with SAR1B-related conditions. In summary, the available evidence is currently insufficient to determine the role of this variant in disease. Therefore, it has been classified as a Variant of Uncertain Significance.